The following is an entry in ClinVar:

ClinVar aggregate classification (germline): Pathogenic (1 of 4 stars; one submission).

Allele frequency attached by ClinVar (database versions not stated): gnomAD exomes below 0.00001; TOPMed 0.00001.
gnomAD v4.1: 3 of 1,611,836 alleles (0.00019%); highest among the groups gnomAD compares: African/African-American, 0.0013%; no homozygotes.

Submission:

Labcorp Genetics (formerly Invitae), Labcorp
Classification: Pathogenic. Last evaluated: 2023-03-17. Review status: criteria provided, single submitter. Criteria: Invitae Variant Classification Sherloc (09022015). Collection method: clinical testing. Allele origin: germline.
Comment: This sequence change creates a premature translational stop signal (p.Trp113*) in the NT5C3A gene. It is expected to result in an absent or disrupted protein product. Loss-of-function variants in NT5C3A are known to be pathogenic (PMID: 12714505). This variant is not present in population databases (gnomAD no frequency). This variant has not been reported in the literature in individuals affected with NT5C3A-related conditions. Algorithms developed to predict the effect of sequence changes on RNA splicing suggest that this variant may disrupt the consensus splice site. For these reasons, this variant has been classified as Pathogenic.

Literature cited by the submitters: PubMed 12714505.

NM_001002010.5(NT5C3A):c.440G>A (p.Trp147Ter)

Gene: NT5C3A (5'-nucleotidase, cytosolic IIIA; minus strand). Cytogenetic location: 7p14.3.
Variant type: single nucleotide variant.
Coding change: c.440G>A on transcript NM_001002010.5 (MANE Select); coding-DNA position 440, G replaced by A.
Protein change: p.Trp147Ter; replaces tryptophan 147 with a stop codon.
Molecular consequence: nonsense.
Genome position (GRCh38, 1-based): chr7:33,021,272, C>T on the plus strand (G>A on the coding strand, the complement: NT5C3A is on the minus strand). VCF-style: chr7-33021272-C-T. GRCh37 (hg19) VCF-style: chr7-33060884-C-T.
Other names: c.338G>A, p.Trp113Ter (NM_001002009.3, NM_016489.14); c.302G>A, p.Trp101Ter (NM_001166118.3, NM_001356996.3, NM_001374336.1 and 1 more transcripts); c.341G>A, p.Trp114Ter (NM_001374335.1); c.440G>A, p.Trp147Ter (NM_001374338.1); c.239G>A, p.Trp80Ter (NM_001374339.1); short protein forms W114*, W101*, W113*, W147*, W80*.
Identifiers: ClinVar variation 2844286 (VCV002844286.3), dbSNP rs1785613853, ClinGen allele CA367192563.